The following is an entry in ClinVar:

ClinVar aggregate classification (germline): Uncertain significance (1 of 4 stars; one submission).

Conditions:
DK1-congenital disorder of glycosylation. Also called: CDG Im; DK1 DEFICIENCY; DOLICHOL KINASE DEFICIENCY; DK1-CDG; DOLK-congenital disorder of glycosylation; Carbohydrate deficient glycoprotein syndrome type 1m. Identifiers: Orphanet 91131, MedGen C1835849, MONDO:0012556, OMIM 610768.

Submission:

Labcorp Genetics (formerly Invitae), Labcorp
Classification: Uncertain significance for DK1-congenital disorder of glycosylation. Last evaluated: 2022-04-22. Review status: criteria provided, single submitter. Criteria: Invitae Variant Classification Sherloc (09022015). Collection method: clinical testing. Allele origin: germline.
Comment: This sequence change replaces valine, which is neutral and non-polar, with isoleucine, which is neutral and non-polar, at codon 444 of the DOLK protein (p.Val444Ile). In summary, the available evidence is currently insufficient to determine the role of this variant in disease. Therefore, it has been classified as a Variant of Uncertain Significance. Algorithms developed to predict the effect of missense changes on protein structure and function are either unavailable or do not agree on the potential impact of this missense change (SIFT: "Tolerated"; PolyPhen-2: "Probably Damaging"; Align-GVGD: "Class C0"). This variant has not been reported in the literature in individuals affected with DOLK-related conditions. This variant is not present in population databases (gnomAD no frequency).

NM_014908.4(DOLK):c.1330G>A (p.Val444Ile)

Gene: DOLK (dolichol kinase; minus strand). Cytogenetic location: 9q34.11.
Variant type: single nucleotide variant.
Coding change: c.1330G>A on transcript NM_014908.4 (MANE Select); coding-DNA position 1330, G replaced by A.
Protein change: p.Val444Ile; replaces valine 444 with isoleucine.
Molecular consequence: missense variant.
Genome position (GRCh38, 1-based): chr9:128,945,974, C>T on the plus strand (G>A on the coding strand, the complement: DOLK is on the minus strand). VCF-style: chr9-128945974-C-T. GRCh37 (hg19) VCF-style: chr9-131708253-C-T.
Other names: short protein forms V444I.
Identifiers: ClinVar variation 1355880 (VCV001355880.6), dbSNP rs2131127044, ClinGen allele CA375117554.